The following is an entry in ClinVar:

NM_000256.3(MYBPC3):c.2651C>T (p.Thr884Ile)

Gene: MYBPC3 (myosin binding protein C3; minus strand). Cytogenetic location: 11p11.2.
Variant type: single nucleotide variant.
Coding change: c.2651C>T on transcript NM_000256.3 (MANE Select); coding-DNA position 2651, C replaced by T.
Protein change: p.Thr884Ile; replaces threonine 884 with isoleucine.
Molecular consequence: missense variant.
Genome position (GRCh38, 1-based): chr11:47,335,963, G>A on the plus strand (C>T on the coding strand, the complement: MYBPC3 is on the minus strand). VCF-style: chr11-47335963-G-A. GRCh37 (hg19) VCF-style: chr11-47357514-G-A.
Other names: short protein forms T884I.
Identifiers: ClinVar variation 926173 (VCV000926173.5), dbSNP rs1454927227, ClinGen allele CA051104.
Genomic context (GRCh38, chr11:47,335,963, plus strand): 5'-TAGCCATCCAGGCCTCCTGCTCCCACGCGCTCTGGGGGCCGCCACTTGAGGGAGACCGTG[G>A]TGTCAGAGACGTCCTCTACTGCCAGGTGGGTGGGTTCGCTGGGGGGACCTGGGCAGAGGA-3'
Protein context (NP_000247.2, residues 874-894): THLAVEDVSD[Thr884Ile]TVSLKWRPPE

ClinVar aggregate classification (germline): Uncertain significance. Review status: criteria provided, multiple submitters, no conflicts (2 of 4 stars). 2 submissions from 2 submitters: Uncertain significance (2). Last evaluated 2026-02-03.

Conditions:
Cardiomyopathy (CMYO). Also called: Cardiomyopathies. Identifiers: Orphanet 167848, MedGen C0878544, MONDO:0004994, HP:0001638. Inheritance: Various modes of inheritance.

Submissions (2):

GeneDx
Classification: Uncertain significance. Last evaluated: 2026-02-03. Review status: criteria provided, single submitter. Criteria: GeneDx Variant Classification Process June 2021. Collection method: clinical testing. Allele origin: germline.
Comment: Not observed at significant frequency in large population cohorts (gnomAD); In silico analysis supports that this missense variant has a deleterious effect on protein structure/function; Has not been previously published as pathogenic or benign to our knowledge

Color Diagnostics, LLC DBA Color Health
Classification: Uncertain significance for Cardiomyopathy. Last evaluated: 2024-03-07. Review status: criteria provided, single submitter. Criteria: ACMG Guidelines, 2015. Collection method: clinical testing. Allele origin: germline.
Comment: This missense variant replaces threonine with isoleucine at codon 884 of the MYBPC3 protein. Computational prediction tool suggests that this variant may not impact protein structure and function (internally defined REVEL score threshold <=0.5, PMID: 27666373). Splice site prediction tools suggest that this variant may not impact RNA splicing. To our knowledge, functional studies have not been performed for this variant. This variant has not been reported in individuals affected with cardiovascular disorders in the literature. This variant has not been identified in the general population by the Genome Aggregation Database (gnomAD). The available evidence is insufficient to determine the role of this variant in disease conclusively. Therefore, this variant is classified as a Variant of Uncertain Significance.